The following is an entry in ClinVar:

NM_007255.3(B4GALT7):c.102G>C (p.Leu34=)

Gene: B4GALT7 (beta-1,4-galactosyltransferase 7; plus strand). Cytogenetic location: 5q35.3.
Variant type: single nucleotide variant.
Coding change: c.102G>C on transcript NM_007255.3 (MANE Select); coding-DNA position 102, G replaced by C.
Protein change: p.Leu34=; no amino-acid change (leucine 34 retained).
Molecular consequence: synonymous variant.
Genome position (GRCh38, 1-based): chr5:177,604,230, G>C. VCF-style: chr5-177604230-G-C. GRCh37 (hg19) VCF-style: chr5-177031231-G-C.
Identifiers: ClinVar variation 2656124 (VCV002656124.24), dbSNP rs1328742625, ClinGen allele CA447984040.
Genomic context (GRCh38, chr5:177,604,230, plus strand): 5'-TTGCTCCAGGTCCGGGTTGCTCTCCGGCGGCCTCCCTCGGAAGTGTTCCGTCTTCCACCT[G>C]TTCGTGGCCTGCCTCTCGCTGGGCTTCTTCTCCCTACTCTGGCTGCAGCTCAGCTGCTCT-3'
Protein context (NP_009186.1, residues 24-44): GLPRKCSVFH[Leu34=]FVACLSLGFF

ClinVar aggregate classification (germline): Likely benign (1 of 4 stars; one submission).

Submission:

CeGaT Center for Human Genetics Tuebingen
Classification: Likely benign. Last evaluated: 2023-07-01. Review status: criteria provided, single submitter. Criteria: CeGaT Center For Human Genetics Tuebingen Variant Classification Criteria Version 2. Collection method: clinical testing. Allele origin: germline. Affected: yes. Observed: 1 variant allele.
Comment: B4GALT7: PM2:Supporting, BP4, BP7